The following is an entry in ClinVar:

ClinVar aggregate classification (germline): Uncertain significance. Review status: criteria provided, multiple submitters, no conflicts (2 of 4 stars). 2 submissions from 2 submitters: Uncertain significance (2). Last evaluated 2025-03-14.

Conditions:
Cardiovascular phenotype. Identifiers: MedGen CN230736.
ABCG8-related disorder. Also called: ABCG8-related condition.

Allele frequency attached by ClinVar (database versions not stated): gnomAD 0.00001.
gnomAD v4.1: 25 of 1,614,076 alleles (0.0015%); highest among the groups gnomAD compares: Non-Finnish European, 0.0018%; no homozygotes.

Submissions (2):

PreventionGenetics, part of Exact Sciences
Classification: Uncertain significance for ABCG8-related condition. Last evaluated: 2025-03-14. Review status: criteria provided, single submitter. Criteria: ACMG Guidelines, 2015. Collection method: clinical testing. Allele origin: germline.
Comment: The ABCG8 c.1669C>G variant is predicted to result in the amino acid substitution p.His557Asp. To our knowledge, this variant has not been reported in the literature or in a large population database (gnomAD), indicating this variant is rare. At this time, the clinical significance of this variant is uncertain due to the absence of conclusive functional and genetic evidence.

Ambry Genetics
Classification: Uncertain significance for Cardiovascular phenotype. Last evaluated: 2024-04-21. Review status: criteria provided, single submitter. Criteria: Ambry Variant Classification Scheme 2023. Collection method: clinical testing. Allele origin: germline.
Comment: The p.H557D variant (also known as c.1669C>G), located in coding exon 11 of the ABCG8 gene, results from a C to G substitution at nucleotide position 1669. The histidine at codon 557 is replaced by aspartic acid, an amino acid with similar properties. This amino acid position not well conserved in available vertebrate species. In addition, the in silico prediction for this alteration is inconclusive. Since supporting evidence is limited at this time, the clinical significance of this alteration remains unclear.

NM_022437.3(ABCG8):c.1669C>G (p.His557Asp)

Gene: ABCG8 (ATP binding cassette subfamily G member 8; plus strand). Cytogenetic location: 2p21.
Variant type: single nucleotide variant.
Coding change: c.1669C>G on transcript NM_022437.3 (MANE Select); coding-DNA position 1669, C replaced by G.
Protein change: p.His557Asp; replaces histidine 557 with aspartic acid.
Molecular consequence: missense variant.
Genome position (GRCh38, 1-based): chr2:43,875,326, C>G. VCF-style: chr2-43875326-C-G. GRCh37 (hg19) VCF-style: chr2-44102465-C-G.
Other names: c.1666C>G, p.His556Asp (NM_001357321.2); short protein forms H556D, H557D.
Identifiers: ClinVar variation 1777630 (VCV001777630.4), dbSNP rs1395949344, ClinGen allele CA346670549.